The following is an entry in ClinVar:

ClinVar aggregate classification (germline): Uncertain significance (1 of 4 stars; one submission).

Conditions:
Mucopolysaccharidosis, MPS-III-D (MPS3D). Also called: N-ACETYLGLUCOSAMINE-6-SULFATASE DEFICIENCY; SANFILIPPO SYNDROME D; MPS III D; Mucopoly-saccharidosis type 3D; N-acetylglucosamine-6-sulfate sulfatase deficiency; MPS 3D. Identifiers: Orphanet 581, Orphanet 79272, MedGen C0086650, MONDO:0009658, OMIM 252940.

Submission:

Labcorp Genetics (formerly Invitae), Labcorp
Classification: Uncertain significance for Mucopolysaccharidosis, MPS-III-D. Last evaluated: 2022-05-27. Review status: criteria provided, single submitter. Criteria: Invitae Variant Classification Sherloc (09022015). Collection method: clinical testing. Allele origin: germline.
Comment: Algorithms developed to predict the effect of missense changes on protein structure and function (SIFT, PolyPhen-2, Align-GVGD) all suggest that this variant is likely to be disruptive. In summary, the available evidence is currently insufficient to determine the role of this variant in disease. Therefore, it has been classified as a Variant of Uncertain Significance. This variant has not been reported in the literature in individuals affected with GNS-related conditions. This variant is not present in population databases (gnomAD no frequency). This sequence change replaces arginine, which is basic and polar, with serine, which is neutral and polar, at codon 95 of the GNS protein (p.Arg95Ser).

NM_002076.4(GNS):c.285A>T (p.Arg95Ser)

Gene: GNS (glucosamine (N-acetyl)-6-sulfatase; minus strand). Cytogenetic location: 12q14.3.
Variant type: single nucleotide variant.
Coding change: c.285A>T on transcript NM_002076.4 (MANE Select); coding-DNA position 285, A replaced by T.
Protein change: p.Arg95Ser; replaces arginine 95 with serine.
Molecular consequence: missense variant.
Genome position (GRCh38, 1-based): chr12:64,747,886, T>A on the plus strand (A>T on the coding strand, the complement: GNS is on the minus strand). VCF-style: chr12-64747886-T-A. GRCh37 (hg19) VCF-style: chr12-65141666-T-A.
Other names: short protein forms R95S.
Identifiers: ClinVar variation 1999387 (VCV001999387.4), dbSNP rs545765198, ClinGen allele CA385611295.